The following is an entry in ClinVar:

NM_000051.4(ATM):c.3205C>A (p.Pro1069Thr)

Gene: ATM (ATM serine/threonine kinase; plus strand). Cytogenetic location: 11q22.3.
Variant type: single nucleotide variant.
Coding change: c.3205C>A on transcript NM_000051.4 (MANE Select); coding-DNA position 3205, C replaced by A.
Protein change: p.Pro1069Thr; replaces proline 1069 with threonine.
Molecular consequence: missense variant.
Genome position (GRCh38, 1-based): chr11:108,272,773, C>A. VCF-style: chr11-108272773-C-A. GRCh37 (hg19) VCF-style: chr11-108143500-C-A.
Other names: c.3205C>A, p.Pro1069Thr (NM_001351834.2); short protein forms P1069T.
Identifiers: ClinVar variation 632657 (VCV000632657.3), dbSNP rs751714261, ClinGen allele CA382515782.
Genomic context (GRCh38, chr11:108,272,773, plus strand): 5'-TTCCCGTAGGCTGATCCTTATTCAAAATGGGCCATTCTTAATGTAATGGGAAAAGACTTT[C>A]CTGTAAATGAAGTATTTACACAATTTCTTGCTGACAATCATCACCAAGTTCGCATGTTGG-3'
Protein context (NP_000042.3, residues 1059-1079): AILNVMGKDF[Pro1069Thr]VNEVFTQFLA

ClinVar aggregate classification (germline): Uncertain significance. Review status: criteria provided, single submitter (1 of 4 stars). 2 submissions from 2 submitters: Uncertain significance (1). 1 of the submissions does not count toward it. Last evaluated 2020-11-10.

Conditions:
Ataxia-telangiectasia syndrome (AT). Also called: Ataxia-telangiectasia, complementation group D; AT, COMPLEMENTATION GROUP C; Ataxia-telangiectasia; ATAXIA-TELANGIECTASIA, COMPLEMENTATION GROUP A; ATAXIA-TELANGIECTASIA, FRESNO VARIANT; LOUIS-BAR SYNDROME. Identifiers: Orphanet 100, MedGen C0004135, MONDO:0008840, OMIM 208900.

Submissions (2):

Women's Health and Genetics/Laboratory Corporation of America, LabCorp
Classification: Uncertain significance. Last evaluated: 2020-11-10. Review status: criteria provided, single submitter. Criteria: LabCorp Variant Classification Summary - May 2015. Collection method: clinical testing. Allele origin: germline.
Comment: Variant summary: ATM c.3205C>A (p.Pro1069Thr) results in a non-conservative amino acid change in the encoded protein sequence. Three of five in-silico tools predict a damaging effect of the variant on protein function. The variant was absent in 251344 control chromosomes (gnomAD). The available data on variant occurrences in the general population are insufficient to allow any conclusion about variant significance. To our knowledge, no occurrence of c.3205C>A in individuals affected with Ataxia-Telangiectasia and no experimental evidence demonstrating its impact on protein function have been reported. No other clinical diagnostic laboratories have submitted clinical-significance assessments for this variant to ClinVar after 2014. Based on the evidence outlined above, the variant was classified as uncertain significance.

Natera, Inc.
Classification: Uncertain significance for Ataxia-telangiectasia. Last evaluated: 2025-03-06. Review status: no assertion criteria provided. Collection method: clinical testing. Allele origin: germline. Not counted in ClinVar's aggregate classification.